The following is an entry in ClinVar:

NM_001267550.2(TTN):c.74571A>G (p.Gln24857=)

Genes: TTN (titin; minus strand), TTN-AS1 (TTN antisense RNA 1; plus strand). Cytogenetic location: 2q31.2.
Variant type: single nucleotide variant.
Coding change: c.74571A>G on transcript NM_001267550.2 (MANE Select); coding-DNA position 74571, A replaced by G.
Protein change: p.Gln24857=; no amino-acid change (glutamine 24857 retained).
Molecular consequence: synonymous variant.
Genome position (GRCh38, 1-based): chr2:178,571,561, T>C on the plus strand (A>G on the coding strand, the complement: TTN is on the minus strand). VCF-style: chr2-178571561-T-C. GRCh37 (hg19) VCF-style: chr2-179436288-T-C.
Other names: c.69648A>G, p.Gln23216= (NM_001256850.1); c.47376A>G, p.Gln15792= (NM_003319.4); c.66867A>G, p.Gln22289= (NM_133378.4); c.47751A>G, p.Gln15917= (NM_133432.3); c.47952A>G, p.Gln15984= (NM_133437.4).
Identifiers: ClinVar variation 5039928 (VCV005039928.1).

ClinVar aggregate classification (germline): Likely benign (1 of 4 stars; one submission).

Submission:

CeGaT Center for Human Genetics Tuebingen
Classification: Likely benign. Last evaluated: 2026-08-01. Review status: criteria provided, single submitter. Criteria: CeGaT Center For Human Genetics Tuebingen Variant Classification Criteria Version 2. Collection method: clinical testing. Allele origin: germline. Affected: yes. Observed: 1 variant allele.
Comment: TTN: PM2:Supporting, BP4, BP7